The following is an entry in ClinVar:

ClinVar aggregate classification (germline): Benign/Likely benign. Review status: criteria provided, multiple submitters, no conflicts (2 of 4 stars). 7 submissions from 7 submitters: Benign (3); Likely benign (3). 1 of the submissions does not count toward it. Last evaluated 2026-05-11.

Conditions:
Non-acquired combined pituitary hormone deficiency with spine abnormalities (CPHD3). Also called: Winkelman Bethge Pfeiffer syndrome; WBP syndrome; Combined pituitary hormone deficiency type 3. Identifiers: Orphanet 231720, MedGen C3489787, MONDO:0009091, OMIM 221750.

Allele frequency attached by ClinVar (database versions not stated): 1000 Genomes Project 0.00639; 1000 Genomes Project 30x 0.00671; TOPMed 0.00945; gnomAD 0.01035 and 0.01071; gnomAD exomes 0.01111 and 0.01499; ExAC 0.01166; ESP Exome Variant Server 0.01223.
gnomAD v4.1: 23,246 of 1,613,550 alleles (1.4%); highest among the groups gnomAD compares: Non-Finnish European, 1.7%; 214 homozygotes.

Submissions (7):

Women's Health and Genetics/Laboratory Corporation of America, LabCorp
Classification: Benign. Last evaluated: 2026-05-11. Review status: criteria provided, single submitter. Criteria: LabCorp Variant Classification Summary - May 2015. Collection method: clinical testing. Allele origin: germline.

Labcorp Genetics (formerly Invitae), Labcorp
Classification: Benign. Last evaluated: 2026-02-04. Review status: criteria provided, single submitter. Criteria: Invitae Variant Classification Sherloc (09022015). Collection method: clinical testing. Allele origin: germline.

Blueprint Genetics
Classification: Likely benign. Last evaluated: 2024-11-26. Review status: criteria provided, single submitter. Criteria: ACMG Guidelines, 2015. Collection method: clinical testing. Allele origin: germline.

GeneDx
Classification: Benign. Last evaluated: 2020-03-03. Review status: criteria provided, single submitter. Criteria: GeneDx Variant Classification Process June 2021. Collection method: clinical testing. Allele origin: germline. Affected: yes.

Illumina Laboratory Services, Illumina
Classification: Likely benign for Non-acquired combined pituitary hormone deficiency with spine abnormalities. Last evaluated: 2018-01-13. Review status: criteria provided, single submitter. Criteria: ICSL Variant Classification Criteria 13 December 2019. Collection method: clinical testing. Allele origin: germline.
Comment: This variant was observed in the ICSL laboratory as part of a predisposition screen in an ostensibly healthy population. It had not been previously curated by ICSL or reported in the Human Gene Mutation Database (HGMD: prior to June 1st, 2018), and was therefore a candidate for classification through an automated scoring system. Utilizing variant allele frequency, disease prevalence and penetrance estimates, and inheritance mode, an automated score was calculated to assess if this variant is too frequent to cause the disease. Based on the score and internal cut-off values, a variant classified as likely benign is not then subjected to further curation. The score for this variant resulted in a classification of likely benign for this disease.

Breakthrough Genomics
Classification: Likely benign. Review status: criteria provided, single submitter. Criteria: ACMG Guidelines, 2015. Collection method: not provided. Allele origin: germline. Inheritance: Autosomal recessive inheritance. Affected: yes.

Natera, Inc.
Classification: Benign for Combined pituitary hormone deficiency type 3. Last evaluated: 2019-12-03. Review status: no assertion criteria provided. Collection method: clinical testing. Allele origin: germline. Not counted in ClinVar's aggregate classification.

NM_178138.6(LHX3):c.108G>A (p.Gln36=)

Gene: LHX3 (LIM homeobox 3; minus strand). Cytogenetic location: 9q34.3.
Variant type: single nucleotide variant.
Coding change: c.108G>A on transcript NM_178138.6 (MANE Select); coding-DNA position 108, G replaced by A.
Protein change: p.Gln36=; no amino-acid change (glutamine 36 retained).
Molecular consequence: synonymous variant.
Genome position (GRCh38, 1-based): chr9:136,200,725, C>T on the plus strand (G>A on the coding strand, the complement: LHX3 is on the minus strand). VCF-style: chr9-136200725-C-T. GRCh37 (hg19) VCF-style: chr9-139092571-C-T.
Other names: c.75G>A, p.Gln25= (NM_001363746.1); c.123G>A, p.Gln41= (NM_014564.5).
Identifiers: ClinVar variation 508129 (VCV000508129.30), dbSNP rs33998096, ClinGen allele CA5330600.
Genomic context (GRCh38, chr9:136,200,725, plus strand): 5'-GAGACACTTGCTGTGCCAGTGGCGGTCCAGAGCCTTGAGGATGAAGCGGTCCAGGATGTG[C>T]TGGTCACAGCCAGCGCACAGCGGGATCTCTGTGGGCACGAGGAAGTTCTGGGTCACCTCG-3'
Protein context (NP_835258.1, residues 26-46): REIPLCAGCD[Gln36=]HILDRFILKA